The following is an entry in ClinVar:

NM_021913.5(AXL):c.1537+5G>A

Gene: AXL (AXL receptor tyrosine kinase; plus strand). Cytogenetic location: 19q13.2.
Variant type: single nucleotide variant.
Coding change: c.1537+5G>A on transcript NM_021913.5 (MANE Select); 5 bases into the intron after coding-DNA position 1537, G replaced by A.
Molecular consequence: intron variant.
Genome position (GRCh38, 1-based): chr19:41,243,712, G>A. VCF-style: chr19-41243712-G-A. GRCh37 (hg19) VCF-style: chr19-41749617-G-A.
Other names: c.1510+5G>A (NM_001699.6); c.733+5G>A (NM_001278599.2).
Identifiers: ClinVar variation 2105769 (VCV002105769.4), dbSNP rs2034224209, ClinGen allele CA2580097278.

ClinVar aggregate classification (germline): Uncertain significance (1 of 4 stars; one submission).

Submission:

Labcorp Genetics (formerly Invitae), Labcorp
Classification: Uncertain significance. Last evaluated: 2022-03-18. Review status: criteria provided, single submitter. Criteria: Invitae Variant Classification Sherloc (09022015). Collection method: clinical testing. Allele origin: germline.
Comment: In summary, the available evidence is currently insufficient to determine the role of this variant in disease. Therefore, it has been classified as a Variant of Uncertain Significance. Variants that disrupt the consensus splice site are a relatively common cause of aberrant splicing (PMID: 17576681, 9536098). Algorithms developed to predict the effect of sequence changes on RNA splicing suggest that this variant may disrupt the consensus splice site. This variant has not been reported in the literature in individuals affected with AXL-related conditions. This variant is not present in population databases (gnomAD no frequency). This sequence change falls in intron 12 of the AXL gene. It does not directly change the encoded amino acid sequence of the AXL protein. It affects a nucleotide within the consensus splice site.

Literature cited by the submitters: PubMed 17576681; PubMed 9536098.